The following is an entry in ClinVar:

ClinVar aggregate classification (germline): Likely benign. Review status: criteria provided, multiple submitters, no conflicts (2 of 4 stars). 2 submissions from 2 submitters: Likely benign (2). Last evaluated 2023-06-29.

Conditions:
Infantile-onset X-linked spinal muscular atrophy. Also called: ARTHROGRYPOSIS, X-LINKED, TYPE I; AMC, DISTAL, X-LINKED; SPINAL MUSCULAR ATROPHY, X-LINKED LETHAL INFANTILE; Spinal Muscular Atrophy, X-Linked Infantile; Spinal muscular atrophy, X-linked 2. Identifiers: Orphanet 1145, MedGen C1844934, MONDO:0010532, OMIM 301830.

Allele frequency attached by ClinVar (database versions not stated): ExAC 0.00001; gnomAD exomes 0.00001; TOPMed 0.00002.
gnomAD v4.1: 9 of 1,212,037 alleles (0.00074%); highest among the groups gnomAD compares: Non-Finnish European, 0.001%; no homozygotes.

Submissions (2):

Labcorp Genetics (formerly Invitae), Labcorp
Classification: Likely benign for Infantile-onset X-linked spinal muscular atrophy. Last evaluated: 2023-06-29. Review status: criteria provided, single submitter. Criteria: Invitae Variant Classification Sherloc (09022015). Collection method: clinical testing. Allele origin: germline.

GeneDx
Classification: Likely benign. Last evaluated: 2018-04-13. Review status: criteria provided, single submitter. Criteria: GeneDx Variant Classification (06012015). Collection method: clinical testing. Allele origin: germline. Affected: yes.
Comment: This variant is considered likely benign or benign based on one or more of the following criteria: it is a conservative change, it occurs at a poorly conserved position in the protein, it is predicted to be benign by multiple in silico algorithms, and/or has population frequency not consistent with disease.

NM_003334.4(UBA1):c.246C>T (p.Gly82=)

Genes: UBA1 (ubiquitin like modifier activating enzyme 1; plus strand), LOC126863253 (CDK7 strongly-dependent group 2 enhancer GRCh37_chrX:47057593-47058792; plus strand). Cytogenetic location: Xp11.3.
Variant type: single nucleotide variant.
Coding change: c.246C>T on transcript NM_003334.4 (MANE Select); coding-DNA position 246, C replaced by T.
Protein change: p.Gly82=; no amino-acid change (glycine 82 retained).
Molecular consequence: synonymous variant.
Genome position (GRCh38, 1-based): chrX:47,199,278, C>T. VCF-style: chrX-47199278-C-T. GRCh37 (hg19) VCF-style: chrX-47058677-C-T.
Other names: c.246C>T, p.Gly82= (NM_153280.3).
Identifiers: ClinVar variation 681846 (VCV000681846.4), dbSNP rs782336458, ClinGen allele CA10395631.
Genomic context (GRCh38, chrX:47,199,278, plus strand): 5'-GGGCCATGAGGCAATGAAGCGGCTCCAGACATCCAGTGTCCTGGTATCAGGCCTGCGGGG[C>T]CTGGGCGTGGAGATCGCTAAGAACATCATCCTTGGTGGGGTCAAGGCTGTTACCCTACAT-3'
Protein context (NP_003325.2, residues 72-92): TSSVLVSGLR[Gly82=]LGVEIAKNII